The following is an entry in ClinVar:

ClinVar aggregate classification (germline): Uncertain significance (1 of 4 stars; one submission).

Conditions:
Spastic paraplegia. Identifiers: MedGen C0037772, HP:0001258.

Submission:

Labcorp Genetics (formerly Invitae), Labcorp
Classification: Uncertain significance for Spastic paraplegia. Last evaluated: 2022-03-19. Review status: criteria provided, single submitter. Criteria: Invitae Variant Classification Sherloc (09022015). Collection method: clinical testing. Allele origin: germline.
Comment: This sequence change replaces arginine, which is basic and polar, with glycine, which is neutral and non-polar, at codon 51 of the KIF5A protein (p.Arg51Gly). This variant is not present in population databases (gnomAD no frequency). This variant has not been reported in the literature in individuals affected with KIF5A-related conditions. Advanced modeling of protein sequence and biophysical properties (such as structural, functional, and spatial information, amino acid conservation, physicochemical variation, residue mobility, and thermodynamic stability) performed at Invitae indicates that this missense variant is not expected to disrupt KIF5A protein function. In summary, the available evidence is currently insufficient to determine the role of this variant in disease. Therefore, it has been classified as a Variant of Uncertain Significance.

NM_004984.4(KIF5A):c.151C>G (p.Arg51Gly)

Gene: KIF5A (kinesin family member 5A; plus strand). Cytogenetic location: 12q13.3.
Variant type: single nucleotide variant.
Coding change: c.151C>G on transcript NM_004984.4 (MANE Select); coding-DNA position 151, C replaced by G.
Protein change: p.Arg51Gly; replaces arginine 51 with glycine.
Molecular consequence: missense variant. On other transcripts: intron variant (1).
Genome position (GRCh38, 1-based): chr12:57,563,460, C>G. VCF-style: chr12-57563460-C-G. GRCh37 (hg19) VCF-style: chr12-57957243-C-G.
Other names: c.130-1000C>G (NM_001354705.2); short protein forms R51G.
Identifiers: ClinVar variation 1481173 (VCV001481173.6), dbSNP rs769763596, ClinGen allele CA385492338.